The following is an entry in ClinVar:

ClinVar aggregate classification (germline): Uncertain significance. Review status: criteria provided, multiple submitters, no conflicts (2 of 4 stars). 4 submissions from 4 submitters: Uncertain significance (3). 1 of the submissions does not count toward it. Last evaluated 2025-12-18.

Conditions:
Hurler syndrome. Also called: Gargoylism, Hurler Syndrome; MUCOPOLYSACCHARIDOSIS TYPE IH; Severe MPS I (Hurler Syndrome). Identifiers: Orphanet 93473, MedGen C0086795, MONDO:0011758, OMIM 607014.

Submissions (4):

Women's Health and Genetics/Laboratory Corporation of America, LabCorp
Classification: Uncertain significance. Last evaluated: 2025-12-18. Review status: criteria provided, single submitter. Criteria: LabCorp Variant Classification Summary - May 2015. Collection method: clinical testing. Allele origin: germline.
Comment: Variant summary: IDUA c.742_744delTTC (p.Phe248del) results in an in-frame deletion that is predicted to remove 1 amino acid from the encoded protein. The variant allele was found at a frequency of 5.2e-05 in 230460 control chromosomes. This frequency is not significantly higher than estimated for disease-causing variants in IDUA, allowing no conclusion about variant significance. c.742_744delTTC has been observed at a heterozygous state in an individual without IDUA associated phenotype in a Newborn screening (Herbst_2024). These report(s) do not provide unequivocal conclusions about association of the variant with Hurler syndrome. To our knowledge, no experimental evidence demonstrating an impact on protein function has been reported. The following publication has been ascertained in the context of this evaluation (PMID: 39645522). ClinVar contains an entry for this variant (Variation ID: 551938). Based on the evidence outlined above, the variant was classified as uncertain significance.

Revvity Omics, Revvity
Classification: Uncertain significance. Last evaluated: 2024-02-07. Review status: criteria provided, single submitter. Criteria: ACMG Guidelines, 2015. Collection method: clinical testing. Allele origin: germline.

GeneDx
Classification: Uncertain significance. Last evaluated: 2019-10-16. Review status: criteria provided, single submitter. Criteria: GeneDx Variant Classification Process June 2021. Collection method: clinical testing. Allele origin: germline. Affected: yes.
Comment: Has not been previously published as pathogenic or benign to our knowledge; In-frame deletion of 1 amino acid in a non-repeat region; In silico analysis, which includes protein predictors and evolutionary conservation, supports a deleterious effect

Counsyl
Classification: Uncertain significance for Hurler syndrome. Last evaluated: 2017-05-12. Review status: no assertion criteria provided. Collection method: clinical testing. Allele origin: unknown. Not counted in ClinVar's aggregate classification.

Literature cited by the submitters: PubMed 39645522 (cited by Women's Health and Genetics/Laboratory Corporation of America, LabCorp).

NM_000203.5(IDUA):c.739TTC[1] (p.Phe248del)

Gene: IDUA (alpha-L-iduronidase; plus strand). Cytogenetic location: 4p16.3.
Variant type: Microsatellite.
Coding change: c.739TTC[1] on transcript NM_000203.5 (MANE Select); one copy of the 3-base unit TTC starting at c.739; the reference has two copies in a row; one copy, 3 bases deleted; also written c.742_744del.
Protein change: p.Phe248del; deletes phenylalanine 248.
Molecular consequence: inframe deletion. On other transcripts: non-coding transcript variant (1).
Genome position (GRCh38, 1-based): chr4:1,001,831-1,001,833, TTC deleted; deleting any 3 consecutive bases within chr4:1,001,827-1,001,833 gives the same sequence; the position shown is the placement nearest the transcript's 3' end. VCF-style (leftmost placement, unchanged base first): chr4-1001826-ACTT-A. GRCh37 (hg19) VCF-style: chr4-995614-ACTT-A.
Other names: c.343TTC[1], p.Phe116del (NM_001363576.1); c.742_744del (NM_000203.5); c.742_744delTTC (NM_000203.5, NM_000203.3); short protein forms F248del, F116del.
Identifiers: ClinVar variation 551938 (VCV000551938.7), dbSNP rs764800004, ClinGen allele CA2802070.